The following is an entry in ClinVar:

ClinVar aggregate classification (germline): Uncertain significance (1 of 4 stars; one submission).

gnomAD v4.1: 2 of 1,612,372 alleles (0.00012%); highest among the groups gnomAD compares: Non-Finnish European, 0.000085%; no homozygotes.

Submission:

GeneDx
Classification: Uncertain significance. Last evaluated: 2024-01-07. Review status: criteria provided, single submitter. Criteria: GeneDx Variant Classification Process June 2021. Collection method: clinical testing. Allele origin: germline. Affected: yes.
Comment: Not observed at significant frequency in large population cohorts (gnomAD); In silico analysis supports that this missense variant has a deleterious effect on protein structure/function; Has not been previously published as pathogenic or benign to our knowledge

NM_006496.4(GNAI3):c.272T>A (p.Leu91Gln)

Gene: GNAI3 (G protein subunit alpha i3; plus strand). Cytogenetic location: 1p13.3.
Variant type: single nucleotide variant.
Coding change: c.272T>A on transcript NM_006496.4 (MANE Select); coding-DNA position 272, T replaced by A.
Protein change: p.Leu91Gln; replaces leucine 91 with glutamine.
Molecular consequence: missense variant.
Genome position (GRCh38, 1-based): chr1:109,574,006, T>A. VCF-style: chr1-109574006-T-A. GRCh37 (hg19) VCF-style: chr1-110116628-T-A.
Other names: short protein forms L91Q.
Identifiers: ClinVar variation 3367629 (VCV003367629.1).
Genomic context (GRCh38, chr1:109,574,006, plus strand): 5'-TAGTTGTCTACAGCAATACTATACAGTCCATCATTGCAATCATAAGAGCCATGGGACGGC[T>A]AAAGATTGACTTTGGGGAAGCTGCCAGGGCAGTAAGTGTTTCTCATTTCCTCTTCACTTG-3'
Protein context (NP_006487.1, residues 81-101): IIAIIRAMGR[Leu91Gln]KIDFGEAARA